The following is an entry in ClinVar:

ClinVar aggregate classification (germline): Uncertain significance (1 of 4 stars; one submission).

Conditions:
Inborn genetic diseases. Identifiers: MedGen C0950123, MeSH D030342.

gnomAD v4.1: 2 of 1,613,750 alleles (0.00012%); highest among the groups gnomAD compares: Non-Finnish European, 0.000085%; no homozygotes.

Submission:

Ambry Genetics
Classification: Uncertain significance for Inborn genetic diseases. Last evaluated: 2026-01-17. Review status: criteria provided, single submitter. Criteria: Ambry Variant Classification Scheme 2023. Collection method: clinical testing. Allele origin: germline.
Comment: The p.C995Y variant (also known as c.2984G>A), located in coding exon 21 of the MIB1 gene, results from a G to A substitution at nucleotide position 2984. The cysteine at codon 995 is replaced by tyrosine, an amino acid with highly dissimilar properties. This amino acid position is conserved. In addition, this alteration is predicted to be deleterious by in silico analysis. Based on the available evidence, the clinical significance of this variant remains unclear.

NM_020774.4(MIB1):c.2984G>A (p.Cys995Tyr)

Gene: MIB1 (MIB E3 ubiquitin protein ligase 1; plus strand). Cytogenetic location: 18q11.2.
Variant type: single nucleotide variant.
Coding change: c.2984G>A on transcript NM_020774.4 (MANE Select); coding-DNA position 2984, G replaced by A.
Protein change: p.Cys995Tyr; replaces cysteine 995 with tyrosine.
Molecular consequence: missense variant.
Genome position (GRCh38, 1-based): chr18:21,864,629, G>A. VCF-style: chr18-21864629-G-A. GRCh37 (hg19) VCF-style: chr18-19444590-G-A.
Other names: short protein forms C995Y.
Identifiers: ClinVar variation 4844686 (VCV004844686.1).